The following is an entry in ClinVar:

ClinVar aggregate classification (germline): Uncertain significance (1 of 4 stars; one submission).

Conditions:
DYNC1H1-related disorder. Also called: DYNC1H1-related condition; DYNC1H1-related disorders. Identifiers: MedGen CN381529.

Submission:

PreventionGenetics, part of Exact Sciences
Classification: Uncertain significance for DYNC1H1-related condition. Last evaluated: 2023-08-18. Review status: criteria provided, single submitter. Criteria: ACMG Guidelines, 2015. Collection method: clinical testing. Allele origin: germline.
Comment: The DYNC1H1 c.13405G>T variant is predicted to result in the amino acid substitution p.Val4469Leu. To our knowledge, this variant has not been reported in the literature or in a large population database, indicating this variant is rare. At this time, the clinical significance of this variant is uncertain due to the absence of conclusive functional and genetic evidence.

NM_001376.5(DYNC1H1):c.13405G>T (p.Val4469Leu)

Gene: DYNC1H1 (dynein cytoplasmic 1 heavy chain 1; plus strand). Cytogenetic location: 14q32.31.
Variant type: single nucleotide variant.
Coding change: c.13405G>T on transcript NM_001376.5 (MANE Select); coding-DNA position 13405, G replaced by T.
Protein change: p.Val4469Leu; replaces valine 4469 with leucine.
Molecular consequence: missense variant.
Genome position (GRCh38, 1-based): chr14:102,049,472, G>T. VCF-style: chr14-102049472-G-T. GRCh37 (hg19) VCF-style: chr14-102515809-G-T.
Other names: short protein forms V4469L.
Identifiers: ClinVar variation 2631593 (VCV002631593.1), dbSNP rs2503888276, ClinGen allele CA391049067.
Genomic context (GRCh38, chr14:102,049,472, plus strand): 5'-CCCTGGGCTCTGTGTGCCTTGGCTGCAGGGATCTTGCCTCGGAGCTGGTCCCACTACACG[G>T]TGCCTGCCGGCATGACCGTCATCCAGTGGGTGTCCGACTTCAGCGAGAGGATCAAACAGC-3'
Protein context (NP_001367.2, residues 4459-4479): ILPRSWSHYT[Val4469Leu]PAGMTVIQWV